The following is an entry in ClinVar:

ClinVar aggregate classification (germline): Uncertain significance (1 of 4 stars; one submission).

Submission:

Dasa
Classification: Uncertain significance. Last evaluated: 2025-10-31. Review status: criteria provided, single submitter. Criteria: DASA Assertion Criteria. Collection method: clinical testing. Allele origin: germline.
Comment: NM_000540.3(RYR1):c.13412C>T (p.Ser4471Phe) is a missense variant that results in the substitution of serine with phenylalanine. This variant is rare in population databases. The currently available literature and clinical evidence are not sufficient to establish a definitive association between this variant and the reported condition. Therefore, this variant is classified as a variant of uncertain significance.

NM_000540.3(RYR1):c.13412C>T (p.Ser4471Phe)

Gene: RYR1 (ryanodine receptor 1; plus strand). Cytogenetic location: 19q13.2.
Variant type: single nucleotide variant.
Coding change: c.13412C>T on transcript NM_000540.3 (MANE Select); coding-DNA position 13412, C replaced by T.
Protein change: p.Ser4471Phe; replaces serine 4471 with phenylalanine.
Molecular consequence: missense variant.
Genome position (GRCh38, 1-based): chr19:38,565,746, C>T. VCF-style: chr19-38565746-C-T. GRCh37 (hg19) VCF-style: chr19-39056386-C-T.
Other names: c.13397C>T, p.Ser4466Phe (NM_001042723.2); short protein forms S4466F, S4471F.
Identifiers: ClinVar variation 4886161 (VCV004886161.2).